The following is an entry in ClinVar:

ClinVar aggregate classification (germline): Likely benign (1 of 4 stars; one submission).

Allele frequency attached by ClinVar (database versions not stated): gnomAD exomes 0.00009; ExAC 0.00030; ESP Exome Variant Server 0.00057; gnomAD 0.00071; TOPMed 0.00072; 1000 Genomes Project 30x 0.00104; 1000 Genomes Project 0.00132.
gnomAD v4.1: 178 of 1,146,759 alleles (0.016%); highest among the groups gnomAD compares: African/African-American, 0.29%; no homozygotes.

Submission:

CeGaT Center for Human Genetics Tuebingen
Classification: Likely benign. Last evaluated: 2022-04-01. Review status: criteria provided, single submitter. Criteria: CeGaT Center For Human Genetics Tuebingen Variant Classification Criteria Version 2. Collection method: clinical testing. Allele origin: germline. Affected: yes. Observed: 1 variant allele.
Comment: HTATSF1: BP4, BP7

NM_014500.5(HTATSF1):c.441T>C (p.Asp147=)

Gene: HTATSF1 (HIV-1 Tat specific factor 1; plus strand). Cytogenetic location: Xq26.3.
Variant type: single nucleotide variant.
Coding change: c.441T>C on transcript NM_014500.5 (MANE Select); coding-DNA position 441, T replaced by C.
Protein change: p.Asp147=; no amino-acid change (aspartic acid 147 retained).
Molecular consequence: synonymous variant.
Genome position (GRCh38, 1-based): chrX:136,500,689, T>C. VCF-style: chrX-136500689-T-C. GRCh37 (hg19) VCF-style: chrX-135582848-T-C.
Other names: c.441T>C, p.Asp147= (NM_001163280.2).
Identifiers: ClinVar variation 2661520 (VCV002661520.24), dbSNP rs147796802, ClinGen allele CA10527628.